The following is an entry in ClinVar:

ClinVar aggregate classification (germline): Uncertain significance. Review status: criteria provided, multiple submitters, no conflicts (2 of 4 stars). 2 submissions from 2 submitters: Uncertain significance (2). Last evaluated 2025-06-09.

Conditions:
Early-infantile DEE. Also called: Ohtahara syndrome; Early infantile epileptic encephalopathy; Early infantile epileptic encephalopathy with suppression bursts. Identifiers: Orphanet 1934, MedGen C0393706, MONDO:0800491.

Allele frequency attached by ClinVar (database versions not stated): gnomAD 0.00001.
gnomAD v4.1: 17 of 1,526,310 alleles (0.0011%); highest among the groups gnomAD compares: Non-Finnish European, 0.00097%; no homozygotes.

Submissions (2):

Labcorp Genetics (formerly Invitae), Labcorp
Classification: Uncertain significance for Early-infantile DEE. Last evaluated: 2025-06-09. Review status: criteria provided, single submitter. Criteria: Invitae Variant Classification Sherloc (09022015). Collection method: clinical testing. Allele origin: germline.
Comment: This sequence change replaces proline, which is neutral and non-polar, with serine, which is neutral and polar, at codon 732 of the KCNQ2 protein (p.Pro732Ser). This variant is present in population databases (rs749597397, gnomAD 0.03%). This variant has not been reported in the literature in individuals affected with KCNQ2-related conditions. ClinVar contains an entry for this variant (Variation ID: 1482390). Invitae Evidence Modeling of protein sequence and biophysical properties (such as structural, functional, and spatial information, amino acid conservation, physicochemical variation, residue mobility, and thermodynamic stability) indicates that this missense variant is expected to disrupt KCNQ2 protein function with a positive predictive value of 95%. In summary, the available evidence is currently insufficient to determine the role of this variant in disease. Therefore, it has been classified as a Variant of Uncertain Significance.

CeGaT Center for Human Genetics Tuebingen
Classification: Uncertain significance. Last evaluated: 2025-05-01. Review status: criteria provided, single submitter. Criteria: CeGaT Center For Human Genetics Tuebingen Variant Classification Criteria Version 2. Collection method: clinical testing. Allele origin: germline. Affected: yes. Observed: 1 variant allele.

NM_172107.4(KCNQ2):c.2194C>T (p.Pro732Ser)

Gene: KCNQ2 (potassium voltage-gated channel subfamily Q member 2; minus strand). Cytogenetic location: 20q13.33.
Variant type: single nucleotide variant.
Coding change: c.2194C>T on transcript NM_172107.4 (MANE Select); coding-DNA position 2194, C replaced by T.
Protein change: p.Pro732Ser; replaces proline 732 with serine.
Molecular consequence: missense variant.
Genome position (GRCh38, 1-based): chr20:63,407,069, G>A on the plus strand (C>T on the coding strand, the complement: KCNQ2 is on the minus strand). VCF-style: chr20-63407069-G-A. GRCh37 (hg19) VCF-style: chr20-62038422-G-A.
Other names: c.2248C>T, p.Pro750Ser (NM_001382235.1); c.2110C>T, p.Pro704Ser (NM_004518.6); c.2140C>T, p.Pro714Ser (NM_172106.3); c.2101C>T, p.Pro701Ser (NM_172108.5); short protein forms P704S, P732S, P750S, P701S, P714S.
Identifiers: ClinVar variation 1482390 (VCV001482390.19), dbSNP rs749597397, ClinGen allele CA9958129.